The following is an entry in ClinVar:

ClinVar aggregate classification (germline): Uncertain significance (1 of 4 stars; one submission).

Conditions:
Inborn genetic diseases. Identifiers: MedGen C0950123, MeSH D030342.

Submission:

Ambry Genetics
Classification: Uncertain significance for Inborn genetic diseases. Last evaluated: 2023-07-04. Review status: criteria provided, single submitter. Criteria: Ambry Variant Classification Scheme 2023. Collection method: clinical testing. Allele origin: germline.
Comment: The p.F1381V variant (also known as c.4141T>G), located in coding exon 22 of the ATR gene, results from a T to G substitution at nucleotide position 4141. The phenylalanine at codon 1381 is replaced by valine, an amino acid with highly similar properties. This amino acid position is conserved. In addition, this alteration is predicted to be tolerated by in silico analysis. Since supporting evidence is limited at this time, the clinical significance of this alteration remains unclear.

NM_001184.4(ATR):c.4141T>G (p.Phe1381Val)

Gene: ATR (ATR checkpoint kinase; minus strand). Cytogenetic location: 3q23.
Variant type: single nucleotide variant.
Coding change: c.4141T>G on transcript NM_001184.4 (MANE Select); coding-DNA position 4141, T replaced by G.
Protein change: p.Phe1381Val; replaces phenylalanine 1381 with valine.
Molecular consequence: missense variant.
Genome position (GRCh38, 1-based): chr3:142,524,004, A>C on the plus strand (T>G on the coding strand, the complement: ATR is on the minus strand). VCF-style: chr3-142524004-A-C. GRCh37 (hg19) VCF-style: chr3-142242846-A-C.
Other names: c.3949T>G, p.Phe1317Val (NM_001354579.2); short protein forms F1381V, F1317V.
Identifiers: ClinVar variation 2624946 (VCV002624946.2), dbSNP rs2473264765, ClinGen allele CA354801968.